The following is an entry in ClinVar:

NM_001365951.3(KIF1B):c.3893T>C (p.Ile1298Thr)

Gene: KIF1B (kinesin family member 1B; plus strand). Cytogenetic location: 1p36.22.
Variant type: single nucleotide variant.
Coding change: c.3893T>C on transcript NM_001365951.3 (MANE Select); coding-DNA position 3893, T replaced by C.
Protein change: p.Ile1298Thr; replaces isoleucine 1298 with threonine.
Molecular consequence: missense variant.
Genome position (GRCh38, 1-based): chr1:10,348,677, T>C. VCF-style: chr1-10348677-T-C. GRCh37 (hg19) VCF-style: chr1-10408735-T-C.
Other names: c.3893T>C, p.Ile1298Thr (NM_001365952.1); c.3755T>C, p.Ile1252Thr (NM_015074.3); short protein forms I1252T, I1298T.
Identifiers: ClinVar variation 1716825 (VCV001716825.5), dbSNP rs2521798792, ClinGen allele CA338343588.

ClinVar aggregate classification (germline): Uncertain significance (1 of 4 stars; one submission).

Conditions:
Charcot-Marie-Tooth disease type 2. Also called: Charcot-Marie-Tooth type 2. Identifiers: Orphanet 64746, MedGen C0270914, MONDO:0018993.

Submission:

Labcorp Genetics (formerly Invitae), Labcorp
Classification: Uncertain significance for Charcot-Marie-Tooth disease type 2. Last evaluated: 2022-08-19. Review status: criteria provided, single submitter. Criteria: Invitae Variant Classification Sherloc (09022015). Collection method: clinical testing. Allele origin: germline.
Comment: This sequence change replaces isoleucine, which is neutral and non-polar, with threonine, which is neutral and polar, at codon 1252 of the KIF1B protein (p.Ile1252Thr). This variant is not present in population databases (gnomAD no frequency). This variant has not been reported in the literature in individuals affected with KIF1B-related conditions. Algorithms developed to predict the effect of missense changes on protein structure and function (SIFT, PolyPhen-2, Align-GVGD) all suggest that this variant is likely to be tolerated. In summary, the available evidence is currently insufficient to determine the role of this variant in disease. Therefore, it has been classified as a Variant of Uncertain Significance.